The following is an entry in ClinVar:

ClinVar aggregate classification (germline): Uncertain significance. Review status: criteria provided, multiple submitters, no conflicts (2 of 4 stars). 2 submissions from 2 submitters: Uncertain significance (2). Last evaluated 2025-09-06.

Conditions:
Lissencephaly type 1 due to doublecortin gene mutation. Also called: LISSENCEPHALY AND AGENESIS OF CORPUS CALLOSUM; LISSENCEPHALY, X-LINKED, 1. Identifiers: Orphanet 2148, MedGen C4551968, MONDO:0010239, OMIM 300067.

Submissions (2):

Clinical Genomics Laboratory, Washington University in St. Louis
Classification: Uncertain significance for Lissencephaly type 1 due to doublecortin gene mutation. Last evaluated: 2025-09-06. Review status: criteria provided, single submitter. Criteria: ACMG Guidelines, 2015. Collection method: clinical testing. Allele origin: germline.
Comment: A DCX c.847G>A (p.Gly283Ser) variant was identified at a near heterozygous allelic fraction of 48.6%, a frequency which may be consistent with it being of germline origin. This variant is absent from the general population (gnomAD v.4.1.0), indicating it is not a common variant. This variant has been reported as a variant of uncertain significance in the ClinVar database by a single submitter (ClinVar variation ID: 447241). Computational predictors suggest that the variant does not impact DCX function. Due to limited information and based on ACMG/AMP guidelines for variant interpretation (Richards S et al., PMID: 25741868), the clinical significance of this variant is uncertain at this time.

Athena Diagnostics
Classification: Uncertain significance. Last evaluated: 2017-06-27. Review status: criteria provided, single submitter. Criteria: Athena Diagnostics Criteria. Collection method: clinical testing. Allele origin: germline.

NM_001195553.2(DCX):c.847G>A (p.Gly283Ser)

Gene: DCX (doublecortin; minus strand). Cytogenetic location: Xq23.
Variant type: single nucleotide variant.
Coding change: c.847G>A on transcript NM_001195553.2 (MANE Select); coding-DNA position 847, G replaced by A.
Protein change: p.Gly283Ser; replaces glycine 283 with serine.
Molecular consequence: missense variant.
Genome position (GRCh38, 1-based): chrX:111,331,003, C>T on the plus strand (G>A on the coding strand, the complement: DCX is on the minus strand). VCF-style: chrX-111331003-C-T. GRCh37 (hg19) VCF-style: chrX-110574231-C-T.
Other names: c.1090G>A, p.Gly364Ser (NM_000555.3); c.847G>A, p.Gly283Ser (NM_001369370.1, NM_001369371.1, NM_001369372.1 and 5 more transcripts); short protein forms G283S, G364S.
Identifiers: ClinVar variation 447241 (VCV000447241.2), dbSNP rs1556375513, ClinGen allele CA414241334.
Genomic context (GRCh38, chrX:111,331,003, plus strand): 5'-GGCGCATAGGACCAGGGCTCTTGGCTGAAGTCTTCTGAGGTGTTGGGGATGCCTTTGGGC[C>T]AGCTGTGGCTGATGGGTTTCCCTTCATGACTCGGCATTCTGGGGCAAAAGGACACAGACA-3'
Protein context (NP_001182482.1, residues 273-293): VMKGNPSATA[Gly283Ser]PKASPTPQKT